The following is an entry in ClinVar:

ClinVar aggregate classification (germline): Pathogenic/Likely pathogenic. Review status: criteria provided, multiple submitters, no conflicts (2 of 4 stars). 7 submissions from 7 submitters: Pathogenic (5); Likely pathogenic (2). Last evaluated 2025-08-10.

Conditions:
BRCA2-related disorder. Also called: BRCA2-related condition; BRCA2-related disorders. Identifiers: MedGen CN239275.
Hereditary cancer-predisposing syndrome. Also called: Hereditary Cancer Syndrome; Tumor predisposition; Neoplastic Syndromes, Hereditary; Hereditary neoplastic syndrome. Identifiers: Orphanet 140162, MedGen C0027672, MeSH D009386, MONDO:0015356.
Hereditary breast ovarian cancer syndrome. Also called: Hereditary breast and ovarian cancer syndrome; Hereditary breast and/or ovarian cancer syndrome; Hereditary breast and ovarian cancer; Hereditary breast and ovarian cancer syndrome (HBOC); Breast and ovarian cancer; BRCA1- and BRCA2-Associated Hereditary Breast and Ovarian Cancer. Identifiers: Orphanet 145, MedGen C0677776, MeSH D061325, MONDO:0003582. Disease mechanism: loss of function.
Familial cancer of breast. Also called: BREAST CANCER, FAMILIAL; Hereditary breast cancer; hereditary breast carcinoma. Identifiers: Orphanet 227535, MedGen C0346153, MONDO:0016419, OMIM 114480. Disease mechanism: loss of function.

Submissions (7):

PreventionGenetics, part of Exact Sciences
Classification: Pathogenic for BRCA2-related condition. Last evaluated: 2025-08-10. Review status: criteria provided, single submitter. Criteria: ACMG Guidelines, 2015. Collection method: clinical testing. Allele origin: germline.
Comment: The BRCA2 c.1817_1819delinsTTT variant is predicted to result in an in-frame deletion and insertion. To our knowledge, this variant has not been reported in the literature or in a large population database (gnomAD), indicating this variant is rare. This variant is classified as likely pathogenic or pathogenic in ClinVar (Variation ID: 89042). Nonsense variants in BRCA2 are expected to be pathogenic (Borg et al. 2010. PubMed ID: 20104584). This variant is interpreted as pathogenic.

Ambry Genetics
Classification: Pathogenic for Hereditary cancer-predisposing syndrome. Last evaluated: 2025-03-19. Review status: criteria provided, single submitter. Criteria: Ambry Variant Classification Scheme 2023. Collection method: clinical testing. Allele origin: germline.
Comment: The c.1817_1819delCGAinsTTT pathogenic mutation, located in coding exon 9 of the BRCA2 gene, results from an in-frame deletion of CGA and insertion of TTT at nucleotide positions 1817 to 1819. This results in the substitution of the proline residue for a leucine residue at codon 606 and the substitution of the lyscine residue for a stop codon at codon 607 (p.P606_K607delinsL*). This variant is considered to be rare based on population cohorts in the Genome Aggregation Database (gnomAD). This alteration is expected to result in loss of function by premature protein truncation or nonsense-mediated mRNA decay. As such, this alteration is interpreted as a disease-causing mutation.

Labcorp Genetics (formerly Invitae), Labcorp
Classification: Pathogenic for Hereditary breast ovarian cancer syndrome. Last evaluated: 2024-05-01. Review status: criteria provided, single submitter. Criteria: Invitae Variant Classification Sherloc (09022015). Collection method: clinical testing. Allele origin: germline.
Comment: This sequence change creates a premature translational stop signal (p.Pro606_Lys607delinsLeu*) in the BRCA2 gene. It is expected to result in an absent or disrupted protein product. Loss-of-function variants in BRCA2 are known to be pathogenic (PMID: 20104584). Information on the frequency of this variant in the gnomAD database is not available, as this variant may be reported differently in the database. This variant has not been reported in the literature in individuals affected with BRCA2-related conditions. ClinVar contains an entry for this variant (Variation ID: 89042). For these reasons, this variant has been classified as Pathogenic.

Women's Health and Genetics/Laboratory Corporation of America, LabCorp
Classification: Likely pathogenic for Hereditary breast ovarian cancer syndrome. Last evaluated: 2021-08-02. Review status: criteria provided, single submitter. Criteria: LabCorp Variant Classification Summary - May 2015. Collection method: clinical testing. Allele origin: germline.
Comment: Variant summary: BRCA2 c.1817_1819delinsTTT (p.Pro606_Lys607delinsLeuX) results in a premature termination codon, predicted to cause a truncation of the encoded protein or absence of the protein due to nonsense mediated decay, which are commonly known mechanisms for disease. The variant was absent in 272030 control chromosomes (gnomAD). To our knowledge, no occurrence of c.1817_1819delinsTTT in individuals affected with Hereditary Breast and Ovarian Cancer Syndrome and no experimental evidence demonstrating its impact on protein function have been reported. Three other ClinVar submitters (evaluation after 2014) cite the variant as pathogenic. Based on the evidence outlined above, the variant was classified as likely pathogenic.

Baylor Genetics
Classification: Likely pathogenic for Familial cancer of breast. Last evaluated: 2021-05-29. Review status: criteria provided, single submitter. Criteria: ACMG Guidelines, 2015. Collection method: clinical testing. Allele origin: unknown.

Color Diagnostics, LLC DBA Color Health
Classification: Pathogenic for Hereditary cancer-predisposing syndrome. Last evaluated: 2021-01-02. Review status: criteria provided, single submitter. Criteria: ACMG Guidelines, 2015. Collection method: clinical testing. Allele origin: germline.
Comment: This variant changes 3 nucleotides in exon 10 of the BRCA2 gene resulting in the deletion of two amino acids, and inserting a leucine and a premature translation stop signal. This variant is expected to result in an absent or non-functional protein product. Computational splicing tools suggest that this variant may not impact RNA splicing. To our knowledge, functional assays have not been performed for this variant. This variant has not been reported in individuals affected with hereditary cancer in the literature. This variant has not been identified in the general population by the Genome Aggregation Database (gnomAD). Loss of BRCA2 function is a known mechanism of disease. Based on available evidence, this variant is classified as Pathogenic.

GeneDx
Classification: Pathogenic for Familial cancer of breast. Review status: criteria provided, single submitter. Criteria: GeneDx Variant Classification (06012015). Collection method: clinical testing. Allele origin: germline.
Comment: Not reported previously in the literature but predicted to cause loss of normal protein function ; Per the NHGRI Breast Cancer Information Core database, P606L and K607X have been reported to occur together in multiple individuals

Literature cited by the submitters: PubMed 20104584 (cited by Labcorp Genetics (formerly Invitae), Labcorp).

NM_000059.4(BRCA2):c.1817_1819delinsTTT (p.Pro606_Lys607delinsLeuTer)

Gene: BRCA2 (BRCA2 DNA repair associated; plus strand). Cytogenetic location: 13q13.1.
Variant type: Indel.
Coding change: c.1817_1819delinsTTT on transcript NM_000059.4 (MANE Select); coding-DNA positions 1817 to 1819, CGA replaced by TTT.
Protein change: p.Pro606_Lys607delinsLeuTer.
Molecular consequence: nonsense.
Genome position (GRCh38, 1-based): chr13:32,333,295-32,333,297, CGA replaced by TTT. VCF-style: chr13-32333295-CGA-TTT. GRCh37 (hg19) VCF-style: chr13-32907432-CGA-TTT.
Other names: c.1817_1819delCGAinsTTT (NM_000059.3).
Identifiers: ClinVar variation 89042 (VCV000089042.21), dbSNP rs587779358, ClinGen allele CA013422.
Genomic context (GRCh38, chr13:32,333,295, plus strand): 5'-AAACAAATAAGTTTATTTATGCTATACATGATGAAACATCTTATAAAGGAAAAAAAATAC[CGA>TTT]AAGACCAAAAATCAGAACTAATTAACTGTTCAGCCCAGTTTGAAGCAAATGCTTTTGAAG-3'